The following is an entry in ClinVar:

NM_001355436.2(SPTB):c.6032_6035del (p.Val2011fs)

Gene: SPTB (spectrin beta, erythrocytic; minus strand). Cytogenetic location: 14q23.3.
Variant type: Deletion.
Coding change: c.6032_6035del on transcript NM_001355436.2 (MANE Select); coding-DNA positions 6032 to 6035, 4 bases deleted (TGTG; older notation c.6032_6035delTGTG).
Protein change: p.Val2011fs; shifts the reading frame from valine 2011.
Molecular consequence: frameshift variant.
Genome position (GRCh38, 1-based): chr14:64,767,847-64,767,850, CACA deleted on the plus strand (TGTG on the coding strand, the reverse complement: SPTB is on the minus strand); deleting any 4 consecutive bases within chr14:64,767,847-64,767,851 gives the same sequence; the c. name uses the placement nearest the transcript's 3' end. VCF-style (leftmost placement, unchanged base first): chr14-64767846-GCACA-G. GRCh37 (hg19) VCF-style: chr14-65234564-GCACA-G.
Other names: c.6032_6035del, p.Val2011fs (NM_001024858.4, NM_001355437.2); short protein forms V2011fs.
Identifiers: ClinVar variation 4685739 (VCV004685739.1).
Genomic context (GRCh38, chr14:64,767,846, plus strand): 5'-CAGGTAGGGCTCCTGGGCAATCAGCCACGCCTCAGCCACAGAGGCATCCCTCGAGAACTG[GCACA>G]CCTCCAGCACTGCCAGGGGGAACAGGACACAGACCCCCCACAAGGCCCAGGGCCTGTTAG-3'

ClinVar aggregate classification (germline): Pathogenic (1 of 4 stars; one submission).

Submission:

ARUP Laboratories, Molecular Genetics and Genomics, ARUP Laboratories
Classification: Pathogenic. Last evaluated: 2025-04-08. Review status: criteria provided, single submitter. Criteria: ARUP Molecular Germline Variant Investigation Process 2024. Collection method: clinical testing. Allele origin: germline.
Comment: The SPTB c.6032_6035del; p.Val2011AlafsTer14 variant, to our knowledge, is not reported in the medical literature or gene specific databases. This variant is also absent from the Genome Aggregation Database (v2.1.1), indicating it is not a common polymorphism. This variant causes a frameshift by deleting 4 nucleotides, so it is predicted to result in a truncated protein or mRNA subject to nonsense-mediated decay. Based on available information, this variant is considered to be pathogenic.